The following is an entry in ClinVar:

ClinVar aggregate classification (germline): Uncertain significance (1 of 4 stars; one submission).

Submission:

Labcorp Genetics (formerly Invitae), Labcorp
Classification: Uncertain significance. Last evaluated: 2023-12-30. Review status: criteria provided, single submitter. Criteria: Invitae Variant Classification Sherloc (09022015). Collection method: clinical testing. Allele origin: germline.
Comment: This sequence change replaces tyrosine, which is neutral and polar, with cysteine, which is neutral and slightly polar, at codon 162 of the HIVEP2 protein (p.Tyr162Cys). This variant is not present in population databases (gnomAD no frequency). This variant has not been reported in the literature in individuals affected with HIVEP2-related conditions. Advanced modeling of protein sequence and biophysical properties (such as structural, functional, and spatial information, amino acid conservation, physicochemical variation, residue mobility, and thermodynamic stability) has been performed at Invitae for this missense variant, however the output from this modeling did not meet the statistical confidence thresholds required to predict the impact of this variant on HIVEP2 protein function. In summary, the available evidence is currently insufficient to determine the role of this variant in disease. Therefore, it has been classified as a Variant of Uncertain Significance.

NM_006734.4(HIVEP2):c.485A>G (p.Tyr162Cys)

Gene: HIVEP2 (HIVEP zinc finger 2; minus strand). Cytogenetic location: 6q24.2.
Variant type: single nucleotide variant.
Coding change: c.485A>G on transcript NM_006734.4 (MANE Select); coding-DNA position 485, A replaced by G.
Protein change: p.Tyr162Cys; replaces tyrosine 162 with cysteine.
Molecular consequence: missense variant.
Genome position (GRCh38, 1-based): chr6:142,774,254, T>C on the plus strand (A>G on the coding strand, the complement: HIVEP2 is on the minus strand). VCF-style: chr6-142774254-T-C. GRCh37 (hg19) VCF-style: chr6-143095391-T-C.
Other names: short protein forms Y162C.
Identifiers: ClinVar variation 2706367 (VCV002706367.3), dbSNP rs2482856128, ClinGen allele CA365915968.